The following is an entry in ClinVar:

ClinVar aggregate classification (germline): Benign (1 of 4 stars; one submission).

Allele frequency attached by ClinVar (database versions not stated): ESP Exome Variant Server 0.00277; gnomAD 0.00336; ExAC 0.00341; gnomAD exomes 0.00345; TOPMed 0.00365; 1000 Genomes Project 30x 0.00187; 1000 Genomes Project 0.00240.
gnomAD v4.1: 5,657 of 1,609,692 alleles (0.35%); highest among the groups gnomAD compares: Middle Eastern, 3%; 30 homozygotes.

Submission:

CeGaT Center for Human Genetics Tuebingen
Classification: Benign. Last evaluated: 2022-10-01. Review status: criteria provided, single submitter. Criteria: CeGaT Center For Human Genetics Tuebingen Variant Classification Criteria Version 2. Collection method: clinical testing. Allele origin: germline. Affected: yes. Observed: 1 variant allele.
Comment: HCAR1: BP4, BS1, BS2

NM_032554.4(HCAR1):c.515C>T (p.Ser172Leu)

Gene: HCAR1 (hydroxycarboxylic acid receptor 1; minus strand). Cytogenetic location: 12q24.31.
Variant type: single nucleotide variant.
Coding change: c.515C>T on transcript NM_032554.4 (MANE Select); coding-DNA position 515, C replaced by T.
Protein change: p.Ser172Leu; replaces serine 172 with leucine.
Molecular consequence: missense variant.
Genome position (GRCh38, 1-based): chr12:122,729,825, G>A on the plus strand (C>T on the coding strand, the complement: HCAR1 is on the minus strand). VCF-style: chr12-122729825-G-A. GRCh37 (hg19) VCF-style: chr12-123214372-G-A.
Other names: short protein forms S172L.
Identifiers: ClinVar variation 2643505 (VCV002643505.24), dbSNP rs61742326, ClinGen allele CA6849947.